The following is an entry in ClinVar:

ClinVar aggregate classification (germline): Uncertain significance. Review status: criteria provided, multiple submitters, no conflicts (2 of 4 stars). 2 submissions from 2 submitters: Uncertain significance (2). Last evaluated 2025-02-18.

Conditions:
Cardiovascular phenotype. Identifiers: MedGen CN230736.
Duchenne muscular dystrophy (DMD). Also called: Duchenne Muscular Dystrophy (DMD); MUSCULAR DYSTROPHY, PSEUDOHYPERTROPHIC PROGRESSIVE, DUCHENNE TYPE. Identifiers: Orphanet 98896, MedGen C0013264, MONDO:0010679, OMIM 310200.

Allele frequency attached by ClinVar (database versions not stated): 1000 Genomes Project 30x 0.00021; 1000 Genomes Project 0.00026.

Submissions (2):

Labcorp Genetics (formerly Invitae), Labcorp
Classification: Uncertain significance for Duchenne muscular dystrophy. Last evaluated: 2025-02-18. Review status: criteria provided, single submitter. Criteria: Invitae Variant Classification Sherloc (09022015). Collection method: clinical testing. Allele origin: germline.
Comment: This sequence change replaces methionine, which is neutral and non-polar, with isoleucine, which is neutral and non-polar, at codon 1006 of the DMD protein (p.Met1006Ile). This variant is not present in population databases (gnomAD no frequency). This variant has not been reported in the literature in individuals affected with DMD-related conditions. ClinVar contains an entry for this variant (Variation ID: 2626684). Invitae Evidence Modeling of protein sequence and biophysical properties (such as structural, functional, and spatial information, amino acid conservation, physicochemical variation, residue mobility, and thermodynamic stability) indicates that this missense variant is not expected to disrupt DMD protein function with a negative predictive value of 95%. In summary, the available evidence is currently insufficient to determine the role of this variant in disease. Therefore, it has been classified as a Variant of Uncertain Significance.

Ambry Genetics
Classification: Uncertain significance for Cardiovascular phenotype. Last evaluated: 2023-09-14. Review status: criteria provided, single submitter. Criteria: Ambry Variant Classification Scheme 2023. Collection method: clinical testing. Allele origin: germline.
Comment: The p.M1006I variant (also known as c.3018G>A), located in coding exon 23 of the DMD gene, results from a G to A substitution at nucleotide position 3018. The methionine at codon 1006 is replaced by isoleucine, an amino acid with highly similar properties. Based on data from gnomAD, the A allele has an overall frequency of 0.0005% (1/182538) total alleles studied, with 1 hemizygote(s) observed. The highest observed frequency was 0.0222% (1/4498) of 'Other' alleles. This amino acid position is poorly conserved in available vertebrate species. In addition, this alteration is predicted to be tolerated by in silico analysis. Since supporting evidence is limited at this time, the clinical significance of this alteration remains unclear.

NM_004006.3(DMD):c.3018G>A (p.Met1006Ile)

Gene: DMD (dystrophin; minus strand). Cytogenetic location: Xp21.1.
Variant type: single nucleotide variant.
Coding change: c.3018G>A on transcript NM_004006.3 (MANE Select); coding-DNA position 3018, G replaced by A.
Protein change: p.Met1006Ile; replaces methionine 1006 with isoleucine.
Molecular consequence: missense variant.
Genome position (GRCh38, 1-based): chrX:32,468,642, C>T on the plus strand (G>A on the coding strand, the complement: DMD is on the minus strand). VCF-style: chrX-32468642-C-T. GRCh37 (hg19) VCF-style: chrX-32486759-C-T.
Other names: c.2994G>A, p.Met998Ile (NM_000109.4); c.3006G>A, p.Met1002Ile (NM_004009.3); c.2649G>A, p.Met883Ile (NM_004010.3); short protein forms M1002I, M998I, M1006I, M883I.
Identifiers: ClinVar variation 2626684 (VCV002626684.4), dbSNP rs181448075, ClinGen allele CA328004861.
Genomic context (GRCh38, chrX:32,468,642, plus strand): 5'-CTCAATTTCTTCAAATTCTGATTGATATTTCCGGCTAATTTCAGAGGGCGCTTTCTTCGA[C>T]ATCTCTTTCACAGTGGTGCTGAGATAGTATAGGCCACTTTGTTGCTCTTGCAGAGAACTT-3'
Protein context (NP_003997.2, residues 996-1016): LYYLSTTVKE[Met1006Ile]SKKAPSEISR